The following is an entry in ClinVar:

NM_006206.6(PDGFRA):c.2436A>C (p.Lys812Asn)

Gene: PDGFRA (platelet derived growth factor receptor alpha; plus strand). Cytogenetic location: 4q12.
Variant type: single nucleotide variant.
Coding change: c.2436A>C on transcript NM_006206.6 (MANE Select); coding-DNA position 2436, A replaced by C.
Protein change: p.Lys812Asn; replaces lysine 812 with asparagine.
Molecular consequence: missense variant.
Genome position (GRCh38, 1-based): chr4:54,285,483, A>C. VCF-style: chr4-54285483-A-C. GRCh37 (hg19) VCF-style: chr4-55151650-A-C.
Other names: c.2511A>C, p.Lys837Asn (NM_001347828.2); c.2436A>C, p.Lys812Asn (NM_001347829.2); c.2475A>C, p.Lys825Asn (NM_001347830.2); short protein forms K825N, K837N, K812N.
Identifiers: ClinVar variation 4744551 (VCV004744551.1).

ClinVar aggregate classification (germline): Uncertain significance (1 of 4 stars; one submission).

Conditions:
Gastrointestinal stromal tumor. Also called: Gastrointestinal stromal tumor, somatic; Gastrointestinal stroma tumor. Identifiers: Orphanet 44890, MedGen C0238198, MeSH D046152, MONDO:0011719, OMIM 606764, HP:0100723.

Submission:

Labcorp Genetics (formerly Invitae), Labcorp
Classification: Uncertain significance for Gastrointestinal stromal tumor. Last evaluated: 2025-06-08. Review status: criteria provided, single submitter. Criteria: Invitae Variant Classification Sherloc (09022015). Collection method: clinical testing. Allele origin: germline.
Comment: This sequence change replaces lysine, which is basic and polar, with asparagine, which is neutral and polar, at codon 812 of the PDGFRA protein (p.Lys812Asn). This variant is not present in population databases (gnomAD no frequency). This variant has not been reported in the literature in individuals affected with PDGFRA-related conditions. Invitae Evidence Modeling of protein sequence and biophysical properties (such as structural, functional, and spatial information, amino acid conservation, physicochemical variation, residue mobility, and thermodynamic stability) indicates that this missense variant is not expected to disrupt PDGFRA protein function with a negative predictive value of 80%. In summary, the available evidence is currently insufficient to determine the role of this variant in disease. Therefore, it has been classified as a Variant of Uncertain Significance.